The following is an entry in ClinVar:

NM_005902.4(SMAD3):c.742T>G (p.Phe248Val)

Gene: SMAD3 (SMAD family member 3; plus strand). Cytogenetic location: 15q22.33.
Variant type: single nucleotide variant.
Coding change: c.742T>G on transcript NM_005902.4 (MANE Select); coding-DNA position 742, T replaced by G.
Protein change: p.Phe248Val; replaces phenylalanine 248 with valine.
Molecular consequence: missense variant.
Genome position (GRCh38, 1-based): chr15:67,181,324, T>G. VCF-style: chr15-67181324-T-G. GRCh37 (hg19) VCF-style: chr15-67473662-T-G.
Other names: c.742T>G (NM_005902.3); c.427T>G, p.Phe143Val (NM_001145102.2, NM_001407016.1); c.610T>G, p.Phe204Val (NM_001145103.2, NM_001407012.1); c.157T>G, p.Phe53Val (NM_001145104.2, NM_001407017.1); c.742T>G, p.Phe248Val (NM_001407011.1, NM_001407013.1); c.595T>G, p.Phe199Val (NM_001407014.1); c.295T>G, p.Phe99Val (NM_001407015.1); short protein forms F204V, F53V, F248V, F99V, F143V, F199V.
Identifiers: ClinVar variation 2075206 (VCV002075206.6), dbSNP rs2505283747, ClinGen allele CA392956166.
Genomic context (GRCh38, chr15:67,181,324, plus strand): 5'-GAGCCGGCCTTCTGGTGCTCCATCTCCTACTACGAGCTGAACCAGCGCGTCGGGGAGACA[T>G]TCCACGCCTCGCAGCCATCCATGACTGTGGATGGCTTCACCGACCCCTCCAATTCGGAGC-3'
Protein context (NP_005893.1, residues 238-258): YELNQRVGET[Phe248Val]HASQPSMTVD

ClinVar aggregate classification (germline): Uncertain significance. Review status: criteria provided, multiple submitters, no conflicts (2 of 4 stars). 2 submissions from 2 submitters: Uncertain significance (2). Last evaluated 2025-07-28.

Conditions:
Familial thoracic aortic aneurysm and aortic dissection (TAAD). Also called: Thoracic aortic aneurysms and dissections. Identifiers: Orphanet 91387, MedGen C4707243, MONDO:0019625.

Submissions (2):

GeneDx
Classification: Uncertain significance. Last evaluated: 2025-07-28. Review status: criteria provided, single submitter. Criteria: GeneDx Variant Classification Process June 2021. Collection method: clinical testing. Allele origin: germline. Affected: yes.
Comment: Not observed at significant frequency in large population cohorts (gnomAD); In silico analysis supports that this missense variant has a deleterious effect on protein structure/function; Has not been previously published as pathogenic or benign to our knowledge

Labcorp Genetics (formerly Invitae), Labcorp
Classification: Uncertain significance for Familial thoracic aortic aneurysm and aortic dissection. Last evaluated: 2022-03-28. Review status: criteria provided, single submitter. Criteria: Invitae Variant Classification Sherloc (09022015). Collection method: clinical testing. Allele origin: germline.
Comment: This sequence change replaces phenylalanine, which is neutral and non-polar, with valine, which is neutral and non-polar, at codon 248 of the SMAD3 protein (p.Phe248Val). In summary, the available evidence is currently insufficient to determine the role of this variant in disease. Therefore, it has been classified as a Variant of Uncertain Significance. This variant disrupts the p.Phe248 amino acid residue in SMAD3. Other variant(s) that disrupt this residue have been observed in individuals with SMAD3-related conditions (PMID: 30661052), which suggests that this may be a clinically significant amino acid residue. Advanced modeling of protein sequence and biophysical properties (such as structural, functional, and spatial information, amino acid conservation, physicochemical variation, residue mobility, and thermodynamic stability) performed at Invitae indicates that this missense variant is expected to disrupt SMAD3 protein function. This missense change has been observed in individual(s) with clinical features of SMAD3-related conditions (Invitae). This variant is not present in population databases (gnomAD no frequency).

Literature cited by the submitters: PubMed 30661052 (cited by Labcorp Genetics (formerly Invitae), Labcorp).